The following is an entry in ClinVar:

ClinVar aggregate classification (germline): Uncertain significance (1 of 4 stars; one submission).

Conditions:
Cystic fibrosis (CF). Also called: MUCOVISCIDOSIS. Identifiers: Orphanet 586, MedGen C0010674, MONDO:0009061, OMIM 219700. Disease mechanism: loss of function.

Submission:

Ambry Genetics
Classification: Uncertain significance for Cystic fibrosis. Last evaluated: 2023-02-06. Review status: criteria provided, single submitter. Criteria: Ambry Variant Classification Scheme 2023. Collection method: clinical testing. Allele origin: germline.
Comment: The p.L1253F variant (also known as c.3759G>T), located in coding exon 23 of the CFTR gene, results from a G to T substitution at nucleotide position 3759. The leucine at codon 1253 is replaced by phenylalanine, an amino acid with highly similar properties. This amino acid position is highly conserved in available vertebrate species. In addition, this alteration is predicted to be deleterious by in silico analysis. Since supporting evidence is limited at this time, the clinical significance of this alteration remains unclear.

NM_000492.4(CFTR):c.3759G>T (p.Leu1253Phe)

Genes: CFTR (CF transmembrane conductance regulator; plus strand), CFTR-AS2 (CFTR antisense RNA 2; minus strand). Cytogenetic location: 7q31.2.
Variant type: single nucleotide variant.
Coding change: c.3759G>T on transcript NM_000492.4 (MANE Select); coding-DNA position 3759, G replaced by T.
Protein change: p.Leu1253Phe; replaces leucine 1253 with phenylalanine.
Molecular consequence: missense variant.
Genome position (GRCh38, 1-based): chr7:117,642,479, G>T. VCF-style: chr7-117642479-G-T. GRCh37 (hg19) VCF-style: chr7-117282533-G-T.
Other names: short protein forms L1253F.
Identifiers: ClinVar variation 2453653 (VCV002453653.2), dbSNP rs117400534, ClinGen allele CA368974621.
Genomic context (GRCh38, chr7:117,642,479, plus strand): 5'-CATCACTTTTACCTTATAGGTGGGCCTCTTGGGAAGAACTGGATCAGGGAAGAGTACTTT[G>T]TTATCAGCTTTTTTGAGACTACTGAACACTGAAGGAGAAATCCAGATCGATGGTGTGTCT-3'
Protein context (NP_000483.3, residues 1243-1263): LGRTGSGKST[Leu1253Phe]LSAFLRLLNT